The following is an entry in ClinVar:

ClinVar aggregate classification (germline): Uncertain significance. Review status: criteria provided, multiple submitters, no conflicts (2 of 4 stars). 2 submissions from 2 submitters: Uncertain significance (2). Last evaluated 2024-05-07.

Conditions:
Osteopathia striata with cranial sclerosis (OSCS). Also called: HYPEROSTOSIS GENERALISATA WITH STRIATIONS. Identifiers: Orphanet 2780, MedGen C0432268, MONDO:0010310, OMIM 300373.

Allele frequency attached by ClinVar (database versions not stated): ExAC 0.00001.
gnomAD v4.1: 13 of 1,212,057 alleles (0.0011%); highest among the groups gnomAD compares: Middle Eastern, 0.28%; 1 homozygote.

Submissions (2):

Fulgent Genetics
Classification: Uncertain significance for Osteopathia striata with cranial sclerosis. Last evaluated: 2024-05-07. Review status: criteria provided, single submitter. Criteria: ACMG Guidelines, 2015. Collection method: clinical testing. Allele origin: germline.

Baylor Genetics
Classification: Uncertain significance for Osteopathia striata with cranial sclerosis. Last evaluated: 2020-01-16. Review status: criteria provided, single submitter. Criteria: ACMG Guidelines, 2015. Collection method: clinical testing. Allele origin: unknown. Affected: yes.
Comment: This variant was determined to be of uncertain significance according to ACMG Guidelines, 2015 [PMID:25741868].

NM_152424.4(AMER1):c.1305C>G (p.Gly435=)

Gene: AMER1 (APC membrane recruitment protein 1; minus strand). Cytogenetic location: Xq11.2.
Variant type: single nucleotide variant.
Coding change: c.1305C>G on transcript NM_152424.4 (MANE Select); coding-DNA position 1305, C replaced by G.
Protein change: p.Gly435=; no amino-acid change (glycine 435 retained).
Molecular consequence: synonymous variant.
Genome position (GRCh38, 1-based): chrX:64,191,982, G>C on the plus strand (C>G on the coding strand, the complement: AMER1 is on the minus strand). VCF-style: chrX-64191982-G-C. GRCh37 (hg19) VCF-style: chrX-63411862-G-C.
Identifiers: ClinVar variation 1030258 (VCV001030258.2), dbSNP rs761740157, ClinGen allele CA10432356.
Genomic context (GRCh38, chrX:64,191,982, plus strand): 5'-AGTCAAAAGTTCCCCAGGGGCTAGGCCAGGATAAGACCTAACTGGGTCAAGGAGCATGTA[G>C]CCGTGGTGGCCTGGGGATGTGGTGGGATGGTAGCCCAGGTTCATATTGGGCCGTGGATAC-3'
Protein context (NP_689637.3, residues 425-445): YHPTTSPGHH[Gly435=]YMLLDPVRSY